The following is an entry in ClinVar:

ClinVar aggregate classification (germline): Uncertain significance (1 of 4 stars; one submission).

Conditions:
Myofibrillar myopathy 5. Also called: FILAMINOPATHY, AUTOSOMAL DOMINANT; Filaminopathy (type). Identifiers: Orphanet 171445, MedGen C1836050, MONDO:0012289, OMIM 609524.
Distal myopathy with posterior leg and anterior hand involvement. Also called: WILLIAMS DISTAL MYOPATHY. Identifiers: Orphanet 63273, MedGen C3279722, MONDO:0013550, OMIM 614065.
Hypertrophic cardiomyopathy 26. Also called: Cardiomyopathy, familial hypertrophic, 26. Identifiers: Orphanet 75249, MedGen C4310749, MONDO:0014883, OMIM 617047.

Allele frequency attached by ClinVar (database versions not stated): gnomAD exomes below 0.00001; ExAC 0.00001.
gnomAD v4.1: 4 of 1,613,668 alleles (0.00025%); highest among the groups gnomAD compares: Admixed American, 0.0033%; no homozygotes.

Submission:

Labcorp Genetics (formerly Invitae), Labcorp
Classification: Uncertain significance for Distal myopathy with posterior leg and anterior hand involvement; Myofibrillar myopathy 5; Hypertrophic cardiomyopathy 26. Last evaluated: 2025-09-28. Review status: criteria provided, single submitter. Criteria: Invitae Variant Classification Sherloc (09022015). Collection method: clinical testing. Allele origin: germline.
Comment: This sequence change falls in intron 12 of the FLNC gene. It does not directly change the encoded amino acid sequence of the FLNC protein. It affects a nucleotide within the consensus splice site. This variant is present in population databases (rs766859594, gnomAD 0.006%). This variant has not been reported in the literature in individuals affected with FLNC-related conditions. ClinVar contains an entry for this variant (Variation ID: 1987780). Variants that disrupt the consensus splice site are a relatively common cause of aberrant splicing (PMID: 17576681, 9536098). Algorithms developed to predict the effect of sequence changes on RNA splicing suggest that this variant is not likely to affect RNA splicing. In summary, the available evidence is currently insufficient to determine the role of this variant in disease. Therefore, it has been classified as a Variant of Uncertain Significance.

Literature cited by the submitters: PubMed 17576681; PubMed 9536098.

NM_001458.5(FLNC):c.2008-3C>T

Gene: FLNC (filamin C; plus strand). Cytogenetic location: 7q32.1.
Variant type: single nucleotide variant.
Coding change: c.2008-3C>T on transcript NM_001458.5 (MANE Select); 3 bases into the intron before coding-DNA position 2008, C replaced by T.
Molecular consequence: intron variant.
Genome position (GRCh38, 1-based): chr7:128,841,451, C>T. VCF-style: chr7-128841451-C-T. GRCh37 (hg19) VCF-style: chr7-128481505-C-T.
Other names: c.2008-3C>T (NM_001127487.2).
Identifiers: ClinVar variation 1987780 (VCV001987780.4), dbSNP rs766859594, ClinGen allele CA4474567.